The following is an entry in ClinVar:

NM_000535.7(PMS2):c.1297A>T (p.Lys433Ter)

Gene: PMS2 (PMS1 homolog 2, mismatch repair system component; minus strand). Cytogenetic location: 7p22.1.
Variant type: single nucleotide variant.
Coding change: c.1297A>T on transcript NM_000535.7 (MANE Select); coding-DNA position 1297, A replaced by T.
Protein change: p.Lys433Ter; replaces lysine 433 with a stop codon.
Molecular consequence: nonsense. On other transcripts: non-coding transcript variant (1).
Genome position (GRCh38, 1-based): chr7:5,987,468, T>A on the plus strand (A>T on the coding strand, the complement: PMS2 is on the minus strand). VCF-style: chr7-5987468-T-A. GRCh37 (hg19) VCF-style: chr7-6027099-T-A.
Other names: c.892A>T, p.Lys298Ter (NM_001322003.2, NM_001322004.2, NM_001322005.2 and 1 more transcripts); c.1141A>T, p.Lys381Ter (NM_001322006.2); c.979A>T, p.Lys327Ter (NM_001322007.2, NM_001322008.2); c.736A>T, p.Lys246Ter (NM_001322010.2); c.364A>T, p.Lys122Ter (NM_001322011.2, NM_001322012.2); c.724A>T, p.Lys242Ter (NM_001322013.2); c.1297A>T, p.Lys433Ter (NM_001322014.2); c.988A>T, p.Lys330Ter (NM_001322015.2); short protein forms K433*, K242*, K122*, K298*, K381*, K246*, K327*, K330*.
Identifiers: ClinVar variation 216073 (VCV000216073.19), dbSNP rs863224496, ClinGen allele CA337884.

ClinVar aggregate classification (germline): Pathogenic. Review status: criteria provided, multiple submitters, no conflicts (2 of 4 stars). 9 submissions from 9 submitters: Pathogenic (9). Last evaluated 2025-10-22.

Conditions:
PMS2-related disorder. Also called: PMS2-related condition.
Hereditary nonpolyposis colorectal neoplasms. Identifiers: MedGen C0009405, MeSH D003123.
Hereditary cancer-predisposing syndrome. Also called: Neoplastic Syndromes, Hereditary; Tumor predisposition; Hereditary Cancer Syndrome; Hereditary neoplastic syndrome. Identifiers: Orphanet 140162, MedGen C0027672, MeSH D009386, MONDO:0015356.
Lynch syndrome. Identifiers: Orphanet 144, MedGen C4552100, MONDO:0005835. Disease mechanism: loss of function.
Lynch syndrome 4 (LYNCH4). Also called: Colorectal cancer, hereditary nonpolyposis, type 4; Hereditary non-polyposis colorectal cancer, type 4. Identifiers: Orphanet 144, MedGen C1838333, MONDO:0013699, OMIM 614337. Disease mechanism: loss of function.

Submissions (9):

Ambry Genetics
Classification: Pathogenic for Hereditary cancer-predisposing syndrome. Last evaluated: 2025-10-22. Review status: criteria provided, single submitter. Criteria: Ambry Variant Classification Scheme 2023. Collection method: clinical testing. Allele origin: germline.
Comment: The p.K433* pathogenic mutation (also known as c.1297A>T), located in coding exon 11 of the PMS2 gene, results from an A to T substitution at nucleotide position 1297. This changes the amino acid from a lysine to a stop codon within coding exon 11. This alteration is expected to result in loss of function by premature protein truncation or nonsense-mediated mRNA decay. As such, this alteration is interpreted as a disease-causing mutation.

All of Us Research Program, National Institutes of Health
Classification: Pathogenic for Lynch syndrome. Last evaluated: 2024-03-24. Review status: criteria provided, single submitter. Criteria: ACMG Guidelines, 2015. Collection method: clinical testing. Allele origin: germline. Inheritance: Autosomal dominant inheritance. Observed: 1 variant allele, 1 heterozygote.
Comment: This variant changes 1 nucleotide in exon 11 of the PMS2 gene, creating a premature translation stop signal. This variant is expected to result in an absent or non-functional protein product. To our knowledge, this variant has not been reported in individuals affected with PMS2-related disorders in the literature. This variant has not been identified in the general population by the Genome Aggregation Database (gnomAD). Loss of PMS2 function is a known mechanism of disease. Based on the available evidence, this variant is classified as Pathogenic.

This study involves interpretation of variants in research participants for the purpose of population health screening. Participant phenotype was not available at the time of variant classification. Additional details can be found in publication PMID: 35346344, PMCID: PMC8962531

Color Diagnostics, LLC DBA Color Health
Classification: Pathogenic for Hereditary cancer-predisposing syndrome. Last evaluated: 2023-12-06. Review status: criteria provided, single submitter. Criteria: ACMG Guidelines, 2015. Collection method: clinical testing. Allele origin: germline.
Comment: This variant changes 1 nucleotide in exon 11 of the PMS2 gene, creating a premature translation stop signal. This variant is expected to result in an absent or non-functional protein product. To our knowledge, this variant has not been reported in individuals affected with PMS2-related disorders in the literature. This variant has not been identified in the general population by the Genome Aggregation Database (gnomAD). Loss of PMS2 function is a known mechanism of disease. Based on the available evidence, this variant is classified as Pathogenic.

Myriad Genetics, Inc.
Classification: Pathogenic for Lynch syndrome 4. Last evaluated: 2023-09-20. Review status: criteria provided, single submitter. Criteria: Myriad Autosomal Dominant, Autosomal Recessive and X-Linked Classification Criteria (2023). Collection method: clinical testing. Allele origin: unknown.
Comment: This variant is considered pathogenic. This variant creates a termination codon and is predicted to result in premature protein truncation.

Blueprint Genetics
Classification: Pathogenic for PMS2-related disorders. Last evaluated: 2023-06-29. Review status: criteria provided, single submitter. Criteria: ACMG Guidelines, 2015. Collection method: clinical testing. Allele origin: germline. Affected: yes. Observed: 3 variant alleles.

Institute of Medical Genetics and Applied Genomics, University Hospital Tübingen
Classification: Pathogenic. Last evaluated: 2020-10-23. Review status: criteria provided, single submitter. Criteria: ACMG Guidelines, 2015. Collection method: clinical testing. Allele origin: germline. Inheritance: Autosomal unknown. Affected: yes.

Labcorp Genetics (formerly Invitae), Labcorp
Classification: Pathogenic for Hereditary nonpolyposis colorectal neoplasms. Last evaluated: 2020-07-16. Review status: criteria provided, single submitter. Criteria: Invitae Variant Classification Sherloc (09022015). Collection method: clinical testing. Allele origin: germline.
Comment: For these reasons, this variant has been classified as Pathogenic. Loss-of-function variants in PMS2 are known to be pathogenic (PMID: 21376568, 24362816). This variant has not been reported in the literature in individuals with PMS2-related disease. ClinVar contains an entry for this variant (Variation ID: 216073). This variant is not present in population databases (ExAC no frequency). This sequence change creates a premature translational stop signal (p.Lys433*) in the PMS2 gene. It is expected to result in an absent or disrupted protein product.

Quest Diagnostics Nichols Institute San Juan Capistrano
Classification: Pathogenic. Last evaluated: 2020-04-09. Review status: criteria provided, single submitter. Criteria: Quest Diagnostics criteria. Collection method: clinical testing. Allele origin: unknown.
Comment: The variant creates a premature nonsense codon, and is therefore predicted to result in the loss of a functional protein. Found in at least one patient with expected phenotype for this gene, and not found in general population data.

GeneKor MSA
Classification: Pathogenic for Hereditary cancer-predisposing syndrome. Last evaluated: 2020-01-01. Review status: criteria provided, single submitter. Criteria: ACMG Guidelines, 2015. Collection method: clinical testing. Allele origin: germline. Affected: yes.
Comment: This variant is a single amino acid change from Lysine to a premature translational stop signal at codon 433 of the PMS2 protein. This is expected to result in a truncated, non-functional protein product. Truncating variants in the PMS2 are known to be pathogenic (PMID: 21376568, 24362816). This variant has been described in the international literature in an individual undergoing panel testing for hereditary syndrome (PMID: 31159747).The mutation database ClinVar contains entries for this variant (Variation ID:216073).

Literature cited by the submitters: PubMed 31159747 (cited by Ambry Genetics and Quest Diagnostics Nichols Institute San Juan Capistrano); PubMed 21376568 (cited by Labcorp Genetics (formerly Invitae), Labcorp); PubMed 24362816 (cited by Labcorp Genetics (formerly Invitae), Labcorp).